The following is an entry in ClinVar:

NM_021814.5(ELOVL5):c.324+1G>A

Gene: ELOVL5 (ELOVL fatty acid elongase 5; minus strand). Cytogenetic location: 6p12.1.
Variant type: single nucleotide variant.
Coding change: c.324+1G>A on transcript NM_021814.5 (MANE Select); the canonical splice donor site of the intron after coding-DNA position 324, G replaced by A.
Molecular consequence: splice donor variant.
Genome position (GRCh38, 1-based): chr6:53,276,178, C>T on the plus strand (G>A on the coding strand, the complement: ELOVL5 is on the minus strand). VCF-style: chr6-53276178-C-T. GRCh37 (hg19) VCF-style: chr6-53140976-C-T.
Other names: c.324+1G>A (NM_001242830.2, NM_001301856.2); c.405+1G>A (NM_001242828.2).
Identifiers: ClinVar variation 3366815 (VCV003366815.1).

ClinVar aggregate classification (germline): Uncertain significance (1 of 4 stars; one submission).

Submission:

Women's Health and Genetics/Laboratory Corporation of America, LabCorp
Classification: Uncertain significance. Last evaluated: 2024-08-14. Review status: criteria provided, single submitter. Criteria: LabCorp Variant Classification Summary - May 2015. Collection method: clinical testing. Allele origin: germline.
Comment: Variant summary: ELOVL5 c.324+1G>A is located in a canonical splice-site and is predicted to affect mRNA splicing resulting in a significantly altered protein due to either exon skipping, shortening, or inclusion of intronic material. Several computational tools predict a significant impact on normal splicing: Four predict the variant abolishes a canonical 5' splicing donor site. Variants that disrupt the consensus splice site are a relatively common cause of aberrant splicing, however current evidence is not sufficient to establish loss of function as a mechanism for disease. The variant was absent in 249108 control chromosomes. The available data on variant occurrences in the general population are insufficient to allow any conclusion about variant significance. To our knowledge, no occurrence of c.324+1G>A in individuals affected with Spinocerebellar Ataxia Type 38 and no experimental evidence demonstrating its impact on protein function have been reported. No submitters have cited clinical-significance assessments for this variant to ClinVar. Based on the evidence outlined above, the variant was classified as uncertain significance.